The following is an entry in ClinVar:

ClinVar aggregate classification (germline): Uncertain significance (1 of 4 stars; one submission).

Conditions:
Baller-Gerold syndrome (BGS). Also called: CRANIOSYNOSTOSIS WITH RADIAL DEFECTS. Identifiers: Orphanet 1225, MedGen C0265308, MONDO:0009039, OMIM 218600.

Submission:

Labcorp Genetics (formerly Invitae), Labcorp
Classification: Uncertain significance for Baller-Gerold syndrome. Last evaluated: 2019-08-16. Review status: criteria provided, single submitter. Criteria: Invitae Variant Classification Sherloc (09022015). Collection method: clinical testing. Allele origin: germline.
Comment: This sequence change replaces aspartic acid with histidine at codon 681 of the RECQL4 protein (p.Asp681His). The aspartic acid residue is highly conserved and there is a moderately physicochemical difference between aspartic acid and histidine. This variant is not present in population databases (ExAC no frequency). This variant has not been reported in the literature in individuals with RECQL4-related conditions. Algorithms developed to predict the effect of missense changes on protein structure and function (SIFT, PolyPhen-2, Align-GVGD) all suggest that this variant is likely to be disruptive, but these predictions have not been confirmed by published functional studies and their clinical significance is uncertain. In summary, the available evidence is currently insufficient to determine the role of this variant in disease. Therefore, it has been classified as a Variant of Uncertain Significance.

NM_004260.4(RECQL4):c.2041G>C (p.Asp681His)

Gene: RECQL4 (RecQ like helicase 4; minus strand). Cytogenetic location: 8q24.3.
Variant type: single nucleotide variant.
Coding change: c.2041G>C on transcript NM_004260.4 (MANE Select); coding-DNA position 2041, G replaced by C.
Protein change: p.Asp681His; replaces aspartic acid 681 with histidine.
Molecular consequence: missense variant.
Genome position (GRCh38, 1-based): chr8:144,513,945, C>G on the plus strand (G>C on the coding strand, the complement: RECQL4 is on the minus strand). VCF-style: chr8-144513945-C-G. GRCh37 (hg19) VCF-style: chr8-145739329-C-G.
Other names: short protein forms D681H.
Identifiers: ClinVar variation 937907 (VCV000937907.5), dbSNP rs1586807847, ClinGen allele CA372680256.